The following is an entry in ClinVar:

NM_178335.3(CCDC50):c.1322+28A>T

Gene: CCDC50 (coiled-coil domain containing 50; plus strand). Cytogenetic location: 3q28.
Variant type: single nucleotide variant.
Coding change: c.1322+28A>T on transcript NM_178335.3 (MANE Select); 28 bases into the intron after coding-DNA position 1322, A replaced by T.
Molecular consequence: intron variant.
Genome position (GRCh38, 1-based): chr3:191,382,853, A>T. VCF-style: chr3-191382853-A-T. GRCh37 (hg19) VCF-style: chr3-191100642-A-T.
Other names: c.794+28A>T (NM_174908.4).
Identifiers: ClinVar variation 682613 (VCV000682613.2), dbSNP rs9838011, ClinGen allele CA2755529.

ClinVar aggregate classification (germline): Benign. Review status: criteria provided, multiple submitters, no conflicts (2 of 4 stars). 2 submissions from 2 submitters: Benign (2). Last evaluated 2018-06-14.

Allele frequency attached by ClinVar (database versions not stated): gnomAD exomes 0.08822 and 0.12280; ExAC 0.12862; gnomAD 0.17883 and 0.18188; ESP Exome Variant Server 0.18468; TOPMed 0.19199; 1000 Genomes Project 0.23083; 1000 Genomes Project 30x 0.23626.
gnomAD v4.1: 149,928 of 1,534,566 alleles (9.8%); highest among the groups gnomAD compares: African/African-American, 41%; 12,242 homozygotes.

Submissions (2):

GeneDx
Classification: Benign. Last evaluated: 2018-06-14. Review status: criteria provided, single submitter. Criteria: GeneDx Variant Classification (06012015). Collection method: clinical testing. Allele origin: germline. Affected: yes.
Comment: This variant is considered likely benign or benign based on one or more of the following criteria: it is a conservative change, it occurs at a poorly conserved position in the protein, it is predicted to be benign by multiple in silico algorithms, and/or has population frequency not consistent with disease.

Breakthrough Genomics
Classification: Benign. Review status: criteria provided, single submitter. Criteria: ACMG Guidelines, 2015. Collection method: not provided. Allele origin: germline. Inheritance: Autosomal dominant inheritance. Affected: yes.